The following is an entry in ClinVar:

NM_001277115.2(DNAH11):c.130G>T (p.Glu44Ter)

Gene: DNAH11 (dynein axonemal heavy chain 11; plus strand). Cytogenetic location: 7p15.3.
Variant type: single nucleotide variant.
Coding change: c.130G>T on transcript NM_001277115.2 (MANE Select); coding-DNA position 130, G replaced by T.
Protein change: p.Glu44Ter; replaces glutamic acid 44 with a stop codon.
Molecular consequence: nonsense.
Genome position (GRCh38, 1-based): chr7:21,543,375, G>T. VCF-style: chr7-21543375-G-T. GRCh37 (hg19) VCF-style: chr7-21582993-G-T.
Other names: c.130G>T, p.Glu44Ter (NM_003777.3); short protein forms E44*.
Identifiers: ClinVar variation 2853570 (VCV002853570.3), dbSNP rs1203659423, ClinGen allele CA366931209.
Genomic context (GRCh38, chr7:21,543,375, plus strand): 5'-GGGGCCGGCCTGGAGGCAGTGGGCGCTGTGGAGCTCGAGGAGGAGGAGGAGAACGAGGAG[G>T]AGGCGGCGGCCAGGAGAGCGCGGAGTTTCGCCCAAGACGCGCGGGTGCGCTTCCTCGGCG-3'

ClinVar aggregate classification (germline): Pathogenic (1 of 4 stars; one submission).

Conditions:
Primary ciliary dyskinesia. Also called: Ciliary dyskinesia. Identifiers: Orphanet 244, MedGen C0008780, MONDO:0016575, HP:0012265.

Allele frequency attached by ClinVar (database versions not stated): gnomAD exomes below 0.00001; TOPMed below 0.00001.

Submission:

Labcorp Genetics (formerly Invitae), Labcorp
Classification: Pathogenic for Primary ciliary dyskinesia. Last evaluated: 2025-12-26. Review status: criteria provided, single submitter. Criteria: Invitae Variant Classification Sherloc (09022015). Collection method: clinical testing. Allele origin: germline.
Comment: This sequence change creates a premature translational stop signal (p.Glu44*) in the DNAH11 gene. It is expected to result in an absent or disrupted protein product. Loss-of-function variants in DNAH11 are known to be pathogenic (PMID: 18022865, 20513915, 22184204). This variant is not present in population databases (gnomAD no frequency). This variant has not been reported in the literature in individuals affected with DNAH11-related conditions. ClinVar contains an entry for this variant (Variation ID: 2853570). For these reasons, this variant has been classified as Pathogenic.

Literature cited by the submitters: PubMed 18022865; PubMed 20513915; PubMed 22184204.